The following is an entry in ClinVar:

NM_006206.6(PDGFRA):c.2341C>A (p.Leu781Ile)

Gene: PDGFRA (platelet derived growth factor receptor alpha; plus strand). Cytogenetic location: 4q12.
Variant type: single nucleotide variant.
Coding change: c.2341C>A on transcript NM_006206.6 (MANE Select); coding-DNA position 2341, C replaced by A.
Protein change: p.Leu781Ile; replaces leucine 781 with isoleucine.
Molecular consequence: missense variant.
Genome position (GRCh38, 1-based): chr4:54,285,388, C>A. VCF-style: chr4-54285388-C-A. GRCh37 (hg19) VCF-style: chr4-55151555-C-A.
Other names: c.2416C>A, p.Leu806Ile (NM_001347828.2); c.2341C>A, p.Leu781Ile (NM_001347829.2); c.2380C>A, p.Leu794Ile (NM_001347830.2); short protein forms L781I, L806I, L794I.
Identifiers: ClinVar variation 575366 (VCV000575366.10), dbSNP rs757362953, ClinGen allele CA2922840.

ClinVar aggregate classification (germline): Conflicting classifications of pathogenicity. Review status: criteria provided, conflicting classifications (1 of 4 stars). 3 submissions from 3 submitters: Uncertain significance (2); Likely benign (1). Last evaluated 2024-12-24.

Conditions:
Gastrointestinal stromal tumor. Also called: Gastrointestinal stromal tumor, somatic; Gastrointestinal stroma tumor. Identifiers: Orphanet 44890, MedGen C0238198, MeSH D046152, MONDO:0011719, OMIM 606764, HP:0100723.
Hereditary cancer-predisposing syndrome. Also called: Hereditary Cancer Syndrome; Tumor predisposition; Neoplastic Syndromes, Hereditary; Hereditary neoplastic syndrome. Identifiers: Orphanet 140162, MedGen C0027672, MeSH D009386, MONDO:0015356.

Allele frequency attached by ClinVar (database versions not stated): TOPMed 0.00001; gnomAD 0.00003.
gnomAD v4.1: 14 of 1,474,812 alleles (0.00095%); highest among the groups gnomAD compares: Middle Eastern, 0.017%; no homozygotes.

Submissions (3):

Labcorp Genetics (formerly Invitae), Labcorp
Classification: Uncertain significance for Gastrointestinal stromal tumor. Last evaluated: 2024-12-24. Review status: criteria provided, single submitter. Criteria: Invitae Variant Classification Sherloc (09022015). Collection method: clinical testing. Allele origin: germline.
Comment: This sequence change replaces leucine, which is neutral and non-polar, with isoleucine, which is neutral and non-polar, at codon 781 of the PDGFRA protein (p.Leu781Ile). This variant is present in population databases (rs757362953, gnomAD 0.006%). This variant has not been reported in the literature in individuals affected with PDGFRA-related conditions. ClinVar contains an entry for this variant (Variation ID: 575366). Invitae Evidence Modeling of protein sequence and biophysical properties (such as structural, functional, and spatial information, amino acid conservation, physicochemical variation, residue mobility, and thermodynamic stability) indicates that this missense variant is not expected to disrupt PDGFRA protein function with a negative predictive value of 80%. In summary, the available evidence is currently insufficient to determine the role of this variant in disease. Therefore, it has been classified as a Variant of Uncertain Significance.

GeneDx
Classification: Uncertain significance. Last evaluated: 2024-02-16. Review status: criteria provided, single submitter. Criteria: GeneDx Variant Classification Process June 2021. Collection method: clinical testing. Allele origin: germline. Affected: yes.
Comment: Not observed at significant frequency in large population cohorts (gnomAD); In silico analysis supports that this missense variant does not alter protein structure/function; Has not been previously published as pathogenic or benign to our knowledge

Ambry Genetics
Classification: Likely benign for Hereditary cancer-predisposing syndrome. Last evaluated: 2023-01-31. Review status: criteria provided, single submitter. Criteria: Ambry Variant Classification Scheme 2023. Collection method: clinical testing. Allele origin: germline.